The following is an entry in ClinVar:

ClinVar aggregate classification (germline): Uncertain significance (1 of 4 stars; one submission).

Conditions:
Hereditary cancer-predisposing syndrome. Also called: Tumor predisposition; Neoplastic Syndromes, Hereditary; Hereditary neoplastic syndrome; Hereditary Cancer Syndrome. Identifiers: Orphanet 140162, MedGen C0027672, MeSH D009386, MONDO:0015356.

Submission:

Ambry Genetics
Classification: Uncertain significance for Hereditary cancer-predisposing syndrome. Last evaluated: 2025-08-27. Review status: criteria provided, single submitter. Criteria: Ambry Variant Classification Scheme 2023. Collection method: clinical testing. Allele origin: germline.
Comment: The p.N531I variant (also known as c.1592A>T), located in coding exon 16 of the MUTYH gene, results from an A to T substitution at nucleotide position 1592. The asparagine at codon 531 is replaced by isoleucine, an amino acid with dissimilar properties. This amino acid position is conserved. In addition, this alteration is predicted to be tolerated by in silico analysis. Based on the available evidence, the clinical significance of this variant remains unclear.

NM_001048174.2(MUTYH):c.1508A>T (p.Asn503Ile)

Gene: MUTYH (mutY DNA glycosylase; minus strand). Cytogenetic location: 1p34.1.
Variant type: single nucleotide variant.
Coding change: c.1508A>T on transcript NM_001048174.2 (MANE Select); coding-DNA position 1508, A replaced by T.
Protein change: p.Asn503Ile; replaces asparagine 503 with isoleucine.
Molecular consequence: missense variant. On other transcripts: non-coding transcript variant (7).
Genome position (GRCh38, 1-based): chr1:45,329,364, T>A on the plus strand (A>T on the coding strand, the complement: MUTYH is on the minus strand). VCF-style: chr1-45329364-T-A. GRCh37 (hg19) VCF-style: chr1-45795036-T-A.
Other names: c.1508A>T, p.Asn503Ile (NM_001407081.1, NM_001407088.1, NM_001048171.2 and 6 more transcripts); c.1163A>T, p.Asn388Ile (NM_001407082.1, NM_001350650.2, NM_001350651.2); c.1550A>T, p.Asn517Ile (NM_001407083.1, NM_001407085.1); c.1511A>T, p.Asn504Ile (NM_001407086.1, NM_001048172.2, NM_001407071.1 and 1 more transcripts); c.1529A>T, p.Asn510Ile (NM_001407087.1); c.1592A>T, p.Asn531Ile (NM_001128425.2); c.1553A>T, p.Asn518Ile (NM_001293190.2); c.1541A>T, p.Asn514Ile (NM_001293191.2, NM_001407069.1, NM_001407077.1); and 5 more; short protein forms N503I, N528I, N475I, N489I, N510I, N518I, N388I, N490I.
Identifiers: ClinVar variation 4113410 (VCV004113410.1).